The following is an entry in ClinVar:

ClinVar aggregate classification (germline): Pathogenic (1 of 4 stars; one submission).

Conditions:
Baller-Gerold syndrome (BGS). Also called: CRANIOSYNOSTOSIS WITH RADIAL DEFECTS. Identifiers: Orphanet 1225, MedGen C0265308, MONDO:0009039, OMIM 218600.

Allele frequency attached by ClinVar (database versions not stated): gnomAD exomes below 0.00001.

Submission:

Labcorp Genetics (formerly Invitae), Labcorp
Classification: Pathogenic for Baller-Gerold syndrome. Last evaluated: 2024-05-06. Review status: criteria provided, single submitter. Criteria: Invitae Variant Classification Sherloc (09022015). Collection method: clinical testing. Allele origin: germline.
Comment: This sequence change creates a premature translational stop signal (p.Glu401Aspfs*5) in the RECQL4 gene. It is expected to result in an absent or disrupted protein product. Loss-of-function variants in RECQL4 are known to be pathogenic (PMID: 12734318, 12952869). This variant is present in population databases (no rsID available, gnomAD 0.007%). This variant has not been reported in the literature in individuals affected with RECQL4-related conditions. ClinVar contains an entry for this variant (Variation ID: 565331). Algorithms developed to predict the effect of sequence changes on RNA splicing suggest that this variant may disrupt the consensus splice site. For these reasons, this variant has been classified as Pathogenic.

Literature cited by the submitters: PubMed 12734318; PubMed 12952869.

NM_004260.4(RECQL4):c.1203del (p.Glu401fs)

Gene: RECQL4 (RecQ like helicase 4; minus strand). Cytogenetic location: 8q24.3.
Variant type: Deletion.
Coding change: c.1203del on transcript NM_004260.4 (MANE Select); coding-DNA position 1203, one base deleted (G; older notation c.1203delG).
Protein change: p.Glu401fs; shifts the reading frame from glutamic acid 401.
Molecular consequence: frameshift variant.
Genome position (GRCh38, 1-based): chr8:144,515,819, C deleted on the plus strand (G on the coding strand, the reverse complement: RECQL4 is on the minus strand). VCF-style (leftmost placement, unchanged base first): chr8-144515818-AC-A. GRCh37 (hg19) VCF-style: chr8-145741202-AC-A.
Other names: c.1203delG (NM_004260.3); short protein forms E401fs.
Identifiers: ClinVar variation 565331 (VCV000565331.5), dbSNP rs1220902289, ClinGen allele CA586166028.